The following is an entry in ClinVar:

ClinVar aggregate classification (germline): Uncertain significance. Review status: criteria provided, multiple submitters, no conflicts (2 of 4 stars). 2 submissions from 2 submitters: Uncertain significance (2). Last evaluated 2024-10-15.

Allele frequency attached by ClinVar (database versions not stated): gnomAD exomes below 0.00001; TOPMed below 0.00001.
gnomAD v4.1: 1 of 1,614,052 alleles (0.000062%); highest among the groups gnomAD compares: Non-Finnish European, 0.000085%; no homozygotes.

Submissions (2):

GeneDx
Classification: Uncertain significance. Last evaluated: 2024-10-15. Review status: criteria provided, single submitter. Criteria: GeneDx Variant Classification Process June 2021. Collection method: clinical testing. Allele origin: germline. Affected: yes.
Comment: Not observed at significant frequency in large population cohorts (gnomAD); Missense variants in this gene are a common cause of disease and they are underrepresented in the general population; In silico analysis indicates that this missense variant does not alter protein structure/function; Has not been previously published as pathogenic or benign to our knowledge

CeGaT Center for Human Genetics Tuebingen
Classification: Uncertain significance. Last evaluated: 2021-02-01. Review status: criteria provided, single submitter. Criteria: CeGaT Center For Human Genetics Tuebingen Variant Classification Criteria Version 2. Collection method: clinical testing. Allele origin: germline. Affected: yes. Observed: 1 variant allele.

NM_004333.6(BRAF):c.1070T>C (p.Phe357Ser)

Genes: BRAF (B-Raf proto-oncogene, serine/threonine kinase; minus strand), LOC126860202 (BRD4-independent group 4 enhancer GRCh37_chr7:140493623-140494822; plus strand). Cytogenetic location: 7q34.
Variant type: single nucleotide variant.
Coding change: c.1070T>C on transcript NM_004333.6 (MANE Select); coding-DNA position 1070, T replaced by C.
Protein change: p.Phe357Ser; replaces phenylalanine 357 with serine.
Molecular consequence: missense variant.
Genome position (GRCh38, 1-based): chr7:140,794,378, A>G on the plus strand (T>C on the coding strand, the complement: BRAF is on the minus strand). VCF-style: chr7-140794378-A-G. GRCh37 (hg19) VCF-style: chr7-140494178-A-G.
Other names: c.1070T>C, p.Phe357Ser (NM_001354609.2, NM_001374244.1, NM_001374258.1 and 4 more transcripts); c.1079T>C, p.Phe360Ser (NM_001378467.1); c.968T>C, p.Phe323Ser (NM_001378470.1); c.914T>C, p.Phe305Ser (NM_001378472.1, NM_001378473.1); c.806T>C, p.Phe269Ser (NM_001378475.1); c.1070T>C (NM_004333.4); short protein forms F269S, F305S, F323S, F357S, F360S.
Identifiers: ClinVar variation 1176544 (VCV001176544.36), dbSNP rs993830683, ClinGen allele CA168100828.
Genomic context (GRCh38, chr7:140,794,378, plus strand): 5'-ACAGGTTCTATTGTGTTTATATGCACATTGGGAGCTGATGAGGATCGGTCTCGTTGCCCA[A>G]ATTGATTTCGATGATCTTCATCTGCTGGTCGGAAGGGCTGTGGAATTGGAATGGATTTTG-3'
Protein context (NP_004324.2, residues 347-367): RPADEDHRNQ[Phe357Ser]GQRDRSSSAP